The following is an entry in ClinVar:

NM_058246.4(DNAJB6):c.499C>G (p.Leu167Val)

Gene: DNAJB6 (DnaJ heat shock protein family (Hsp40) member B6; plus strand). Cytogenetic location: 7q36.3.
Variant type: single nucleotide variant.
Coding change: c.499C>G on transcript NM_058246.4 (MANE Select); coding-DNA position 499, C replaced by G.
Protein change: p.Leu167Val; replaces leucine 167 with valine.
Molecular consequence: missense variant. On other transcripts: intron variant (1).
Genome position (GRCh38, 1-based): chr7:157,384,887, C>G. VCF-style: chr7-157384887-C-G. GRCh37 (hg19) VCF-style: chr7-157177581-C-G.
Other names: c.499C>G, p.Leu167Val (NM_005494.3); c.346+17404C>G (NM_001363676.1); short protein forms L167V.
Identifiers: ClinVar variation 1810100 (VCV001810100.4), dbSNP rs1241662438, ClinGen allele CA370166628.
Genomic context (GRCh38, chr7:157,384,887, plus strand): 5'-CATATTTCTTTAAGCATTTTTCTTTTCTGTTTTCCTGTAGGATTTACTTCATTTGGGTCA[C>G]TAGGTCACGGGGGCCTCACTTCATTCTCTTCCACGTCATTTGGTGGTAGTGGCATGGGCA-3'
Protein context (NP_490647.1, residues 157-177): FDTGFTSFGS[Leu167Val]GHGGLTSFSS

ClinVar aggregate classification (germline): Uncertain significance. Review status: criteria provided, multiple submitters, no conflicts (2 of 4 stars). 2 submissions from 2 submitters: Uncertain significance (2). Last evaluated 2022-06-30.

Conditions:
Autosomal dominant limb-girdle muscular dystrophy type 1D (DNAJB6) (LGMDD1). Also called: MUSCULAR DYSTROPHY, AUTOSOMAL DOMINANT, WITH RIMMED VACUOLES; MUSCULAR DYSTROPHY, LIMB-GIRDLE, TYPE 1D; Autosomal dominant limb-girdle muscular dystrophy type 1D; Muscular dystrophy, limb-girdle, autosomal dominant 1. Identifiers: Orphanet 34516, MedGen C4721885, MONDO:0021018, OMIM 603511.

Allele frequency attached by ClinVar (database versions not stated): gnomAD 0.00001; TOPMed 0.00001.
gnomAD v4.1: 2 of 1,612,718 alleles (0.00012%); highest among the groups gnomAD compares: African/African-American, 0.0027%; no homozygotes.

Submissions (2):

GeneDx
Classification: Uncertain significance. Last evaluated: 2022-06-30. Review status: criteria provided, single submitter. Criteria: GeneDx Variant Classification Process June 2021. Collection method: clinical testing. Allele origin: germline. Affected: yes.
Comment: Not observed at significant frequency in large population cohorts (gnomAD); Missense variants in this gene are often considered pathogenic (HGMD); In silico analysis supports that this missense variant does not alter protein structure/function; Has not been previously published as pathogenic or benign to our knowledge

Revvity Omics, Revvity
Classification: Uncertain significance for Autosomal dominant limb-girdle muscular dystrophy type 1D (DNAJB6). Last evaluated: 2020-12-18. Review status: criteria provided, single submitter. Criteria: ACMG Guidelines, 2015. Collection method: clinical testing. Allele origin: germline.